The following is an entry in ClinVar:

ClinVar aggregate classification (germline): Uncertain significance. Review status: criteria provided, multiple submitters, no conflicts (2 of 4 stars). 7 submissions from 7 submitters: Uncertain significance (7). Last evaluated 2026-09-09.

Conditions:
FIG4-related disorder. Also called: FIG4-related disorders; FIG4-related condition.
Inborn genetic diseases. Identifiers: MedGen C0950123, MeSH D030342.
Charcot-Marie-Tooth disease type 4. Also called: Charcot-Marie-Tooth disease, type IV; Charcot-Marie-Tooth, Type 4. Identifiers: Orphanet 64749, MedGen C4082197, MONDO:0018995.

Allele frequency attached by ClinVar (database versions not stated): ExAC 0.00002; gnomAD 0.00004 and 0.00005; gnomAD exomes 0.00004; TOPMed 0.00004.
gnomAD v4.1: 148 of 1,609,836 alleles (0.0092%); highest among the groups gnomAD compares: Non-Finnish European, 0.012%; no homozygotes.

Submissions (7):

GeneDx
Classification: Uncertain significance. Last evaluated: 2026-09-09. Review status: criteria provided, single submitter. Criteria: GeneDx Variant Classification Process June 2021. Collection method: clinical testing. Allele origin: germline.
Comment: Not observed at significant frequency in large population cohorts (gnomAD); In silico analysis supports that this missense variant has a deleterious effect on protein structure/function; This variant is associated with the following publications: (PMID: 24598713, 21705420, 25614874)

CeGaT Center for Human Genetics Tuebingen
Classification: Uncertain significance. Last evaluated: 2024-08-01. Review status: criteria provided, single submitter. Criteria: CeGaT Center For Human Genetics Tuebingen Variant Classification Criteria Version 2. Collection method: clinical testing. Allele origin: germline. Affected: yes. Observed: 1 variant allele.
Comment: FIG4: PM2

Blueprint Genetics
Classification: Uncertain significance. Last evaluated: 2024-04-22. Review status: criteria provided, single submitter. Criteria: ACMG Guidelines, 2015. Collection method: clinical testing. Allele origin: germline.

PreventionGenetics, part of Exact Sciences
Classification: Uncertain significance for FIG4-related condition. Last evaluated: 2022-12-16. Review status: criteria provided, single submitter. Criteria: ACMG Guidelines, 2015. Collection method: clinical testing. Allele origin: germline.
Comment: The FIG4 c.1405G>A variant is predicted to result in the amino acid substitution p.Gly469Arg. This variant has been reported in individuals with Charcot-Marie-Tooth disease, although pathogenicity has not been established (Nicholson et al. 2011. PubMed ID: 21705420; DiVincenzo et al. 2014. PubMed ID: 25614874). This variant is reported in 0.0088% of alleles in individuals of European (Non-Finnish) descent in gnomAD. At this time, the clinical significance of this variant is uncertain due to the absence of conclusive functional and genetic evidence.

Labcorp Genetics (formerly Invitae), Labcorp
Classification: Uncertain significance for Charcot-Marie-Tooth disease type 4. Last evaluated: 2022-05-13. Review status: criteria provided, single submitter. Criteria: Invitae Variant Classification Sherloc (09022015). Collection method: clinical testing. Allele origin: germline.
Comment: This sequence change replaces glycine, which is neutral and non-polar, with arginine, which is basic and polar, at codon 469 of the FIG4 protein (p.Gly469Arg). This variant is present in population databases (rs201742496, gnomAD 0.006%). This missense change has been observed in individual(s) with Charcot-Marie-Tooth disease (PMID: 21705420). ClinVar contains an entry for this variant (Variation ID: 585869). Algorithms developed to predict the effect of missense changes on protein structure and function are either unavailable or do not agree on the potential impact of this missense change (SIFT: "Deleterious"; PolyPhen-2: "Possibly Damaging"; Align-GVGD: "Class C0"). In summary, the available evidence is currently insufficient to determine the role of this variant in disease. Therefore, it has been classified as a Variant of Uncertain Significance.

Ambry Genetics
Classification: Uncertain significance for Inborn genetic diseases. Last evaluated: 2021-09-13. Review status: criteria provided, single submitter. Criteria: Ambry Variant Classification Scheme 2023. Collection method: clinical testing. Allele origin: germline.
Comment: Nicholson, 2011; DiVincenzo, 2014 Based on insufficient or conflicting evidence, the clinical significance of this alteration remains unclear.

Athena Diagnostics
Classification: Uncertain significance. Last evaluated: 2018-06-07. Review status: criteria provided, single submitter. Criteria: Athena Diagnostics Criteria. Collection method: clinical testing. Allele origin: germline.

Literature cited by the submitters: PubMed 21705420 (cited by 3 submitters); PubMed 25614874 (cited by Ambry Genetics and Athena Diagnostics).

NM_014845.6(FIG4):c.1405G>A (p.Gly469Arg)

Gene: FIG4 (FIG4 phosphoinositide 5-phosphatase; plus strand). Cytogenetic location: 6q21.
Variant type: single nucleotide variant.
Coding change: c.1405G>A on transcript NM_014845.6 (MANE Select); coding-DNA position 1405, G replaced by A.
Protein change: p.Gly469Arg; replaces glycine 469 with arginine.
Molecular consequence: missense variant.
Genome position (GRCh38, 1-based): chr6:109,763,953, G>A. VCF-style: chr6-109763953-G-A. GRCh37 (hg19) VCF-style: chr6-110085156-G-A.
Other names: short protein forms G469R.
Identifiers: ClinVar variation 585869 (VCV000585869.28), dbSNP rs201742496, ClinGen allele CA3956074.